The following is an entry in ClinVar:

ClinVar aggregate classification (germline): Uncertain significance. Review status: criteria provided, multiple submitters, no conflicts (2 of 4 stars). 2 submissions from 2 submitters: Uncertain significance (2). Last evaluated 2023-09-06.

Conditions:
Mucopolysaccharidosis type 7 (MPS7). Also called: BETA-GLUCURONIDASE DEFICIENCY; GUSB DEFICIENCY; MPS VII; SLY SYNDROME. Identifiers: Orphanet 584, MedGen C0085132, MONDO:0009662, OMIM 253220.

Allele frequency attached by ClinVar (database versions not stated): gnomAD 0.00001; gnomAD exomes 0.00001; TOPMed 0.00001; ExAC 0.00002.
gnomAD v4.1: 4 of 1,614,076 alleles (0.00025%); highest among the groups gnomAD compares: Admixed American, 0.0067%; no homozygotes.

Submissions (2):

Women's Health and Genetics/Laboratory Corporation of America, LabCorp
Classification: Uncertain significance. Last evaluated: 2023-09-06. Review status: criteria provided, single submitter. Criteria: LabCorp Variant Classification Summary - May 2015. Collection method: clinical testing. Allele origin: germline.
Comment: Variant summary: GUSB c.1222C>T (p.Pro408Ser) results in a non-conservative amino acid change in the encoded protein sequence. Four of five in-silico tools predict a damaging effect of the variant on protein function. The variant allele was found at a frequency of 1.2e-05 in 251760 control chromosomes, where it was found exclusively in cis with another variant, c.1244C>T (p.Pro415Leu). The available data on variant occurrences in the general population are insufficient to allow any conclusion about variant significance. c.1222C>T has been reported in cis with c.1244C>T (p.Pro415Leu) in individuals affected with Mucopolysaccharidosis Type VII (Sly Syndrome) (e.g. Islam_1996, Tomatsu_2009). However, to our knowledge, the c.1222C>T variant has yet to be found in isolation in affected individuals. At least one publication reports experimental evidence evaluating an impact of the variant in isolation on protein function. Processing and secretion of the variant protein was shown to be affected, and the variant resulted in an activity 40-80% of the wild-type protein (Islam_1996). The following publications have been ascertained in the context of this evaluation (PMID: 16546179, 8707294, 9742570, 26908836, 19224584). One submitter has cited a clinical-significance assessment for this variant to ClinVar after 2014 and has classified the variant as uncertain significance. Because of the absence of clinical information of the patients with this variant in isolation, the variant was classified as uncertain significance until additional information becomes available.

Labcorp Genetics (formerly Invitae), Labcorp
Classification: Uncertain significance for Mucopolysaccharidosis type 7. Last evaluated: 2023-08-04. Review status: criteria provided, single submitter. Criteria: Invitae Variant Classification Sherloc (09022015). Collection method: clinical testing. Allele origin: germline.
Comment: This sequence change replaces proline, which is neutral and non-polar, with serine, which is neutral and polar, at codon 408 of the GUSB protein (p.Pro408Ser). This variant is present in population databases (rs779091113, gnomAD 0.009%). This missense change has been observed in individual(s) with mucopolysaccharidosis type VII (PMID: 8707294, 9224584). ClinVar contains an entry for this variant (Variation ID: 1324520). Advanced modeling of protein sequence and biophysical properties (such as structural, functional, and spatial information, amino acid conservation, physicochemical variation, residue mobility, and thermodynamic stability) performed at Invitae indicates that this missense variant is not expected to disrupt GUSB protein function. Experimental studies have shown that this missense change affects GUSB function (PMID: 8707294). In summary, the available evidence is currently insufficient to determine the role of this variant in disease. Therefore, it has been classified as a Variant of Uncertain Significance.

Literature cited by the submitters: PubMed 8707294 (cited by Women's Health and Genetics/Laboratory Corporation of America, LabCorp and Labcorp Genetics (formerly Invitae), Labcorp); PubMed 9742570 (cited by Women's Health and Genetics/Laboratory Corporation of America, LabCorp); PubMed 19224584 (cited by Women's Health and Genetics/Laboratory Corporation of America, LabCorp); PubMed 16546179 (cited by Women's Health and Genetics/Laboratory Corporation of America, LabCorp); PubMed 26908836 (cited by Women's Health and Genetics/Laboratory Corporation of America, LabCorp); PubMed 9224584 (cited by Labcorp Genetics (formerly Invitae), Labcorp).

NM_000181.4(GUSB):c.1222C>T (p.Pro408Ser)

Gene: GUSB (glucuronidase beta; minus strand). Cytogenetic location: 7q11.21.
Variant type: single nucleotide variant.
Coding change: c.1222C>T on transcript NM_000181.4 (MANE Select); coding-DNA position 1222, C replaced by T.
Protein change: p.Pro408Ser; replaces proline 408 with serine.
Molecular consequence: missense variant. On other transcripts: non-coding transcript variant (1).
Genome position (GRCh38, 1-based): chr7:65,974,548, G>A on the plus strand (C>T on the coding strand, the complement: GUSB is on the minus strand). VCF-style: chr7-65974548-G-A. GRCh37 (hg19) VCF-style: chr7-65439535-G-A.
Other names: c.784C>T, p.Pro262Ser (NM_001284290.2); c.652C>T, p.Pro218Ser (NM_001293104.2); c.565C>T, p.Pro189Ser (NM_001293105.2); short protein forms P189S, P218S, P262S, P408S.
Identifiers: ClinVar variation 1324520 (VCV001324520.8), dbSNP rs779091113, ClinGen allele CA4276354.